The following is an entry in ClinVar:

NM_001048174.2(MUTYH):c.1524C>A (p.His508Gln)

Gene: MUTYH (mutY DNA glycosylase; minus strand). Cytogenetic location: 1p34.1.
Variant type: single nucleotide variant.
Coding change: c.1524C>A on transcript NM_001048174.2 (MANE Select); coding-DNA position 1524, C replaced by A.
Protein change: p.His508Gln; replaces histidine 508 with glutamine.
Molecular consequence: missense variant. On other transcripts: non-coding transcript variant (7).
Genome position (GRCh38, 1-based): chr1:45,329,348, G>T on the plus strand (C>A on the coding strand, the complement: MUTYH is on the minus strand). VCF-style: chr1-45329348-G-T. GRCh37 (hg19) VCF-style: chr1-45795020-G-T.
Other names: c.1524C>A, p.His508Gln (NM_001048171.2, NM_001048173.2, NM_001293195.2 and 6 more transcripts); c.1527C>A, p.His509Gln (NM_001048172.2, NM_001407071.1, NM_001407078.1 and 1 more transcripts); c.1608C>A, p.His536Gln (NM_001128425.2); c.1569C>A, p.His523Gln (NM_001293190.2); c.1557C>A, p.His519Gln (NM_001293191.2, NM_001407069.1, NM_001407077.1); c.1248C>A, p.His416Gln (NM_001293192.2, NM_001293196.2, NM_001407091.1); c.1179C>A, p.His393Gln (NM_001350650.2, NM_001350651.2, NM_001407082.1); c.1440C>A, p.His480Gln (NM_001407075.1); and 5 more; short protein forms H416Q, H480Q, H494Q, H508Q, H509Q, H515Q, H533Q, H393Q.
Identifiers: ClinVar variation 4113434 (VCV004113434.1).

ClinVar aggregate classification (germline): Uncertain significance (1 of 4 stars; one submission).

Conditions:
Hereditary cancer-predisposing syndrome. Also called: Tumor predisposition; Neoplastic Syndromes, Hereditary; Hereditary neoplastic syndrome; Hereditary Cancer Syndrome. Identifiers: Orphanet 140162, MedGen C0027672, MeSH D009386, MONDO:0015356.

Submission:

Ambry Genetics
Classification: Uncertain significance for Hereditary cancer-predisposing syndrome. Last evaluated: 2025-08-27. Review status: criteria provided, single submitter. Criteria: Ambry Variant Classification Scheme 2023. Collection method: clinical testing. Allele origin: germline.
Comment: The p.H536Q variant (also known as c.1608C>A), located in coding exon 16 of the MUTYH gene, results from a C to A substitution at nucleotide position 1608. The histidine at codon 536 is replaced by glutamine, an amino acid with highly similar properties. This amino acid position is conserved. In addition, this alteration is predicted to be tolerated by in silico analysis. Based on the available evidence, the clinical significance of this variant remains unclear.